The following is an entry in ClinVar:

ClinVar aggregate classification (germline): Pathogenic. Review status: criteria provided, multiple submitters, no conflicts (2 of 4 stars). 5 submissions from 5 submitters: Pathogenic (4). 1 of the submissions does not count toward it. Last evaluated 2025-10-05.

Conditions:
Hyper-IgM syndrome type 1. Also called: Hyper-IgM Immunodeficiency Syndrome, Type 1; CD40 Ligand Deficiency; Immunodeficiency, X-linked, with hyper-IgM; X-linked hyper-IgM syndrome. Identifiers: Orphanet 101088, MedGen C0398689, MONDO:0010626, OMIM 308230.

Submissions (5):

Labcorp Genetics (formerly Invitae), Labcorp
Classification: Pathogenic for Hyper-IgM syndrome type 1. Last evaluated: 2025-10-05. Review status: criteria provided, single submitter. Criteria: Invitae Variant Classification Sherloc (09022015). Collection method: clinical testing. Allele origin: germline.
Comment: This sequence change replaces threonine, which is neutral and polar, with methionine, which is neutral and non-polar, at codon 254 of the CD40LG protein (p.Thr254Met). This variant is not present in population databases (gnomAD no frequency). This missense change has been observed in individuals with a milder phenotype and X-linked hyper IgM syndrome (PMID: 10484640, 17351759, 19575287, 25541662). It has also been observed to segregate with disease in related individuals. This variant is also known as 782C>T. ClinVar contains an entry for this variant (Variation ID: 35814). Invitae Evidence Modeling of protein sequence and biophysical properties (such as structural, functional, and spatial information, amino acid conservation, physicochemical variation, residue mobility, and thermodynamic stability) indicates that this missense variant is expected to disrupt CD40LG protein function with a positive predictive value of 80%. For these reasons, this variant has been classified as Pathogenic.

Fulgent Genetics
Classification: Pathogenic for Hyper-IgM syndrome type 1. Last evaluated: 2024-03-20. Review status: criteria provided, single submitter. Criteria: ACMG Guidelines, 2015. Collection method: clinical testing. Allele origin: germline.

Women's Health and Genetics/Laboratory Corporation of America, LabCorp
Classification: Pathogenic for Hyper-IgM syndrome type 1. Last evaluated: 2024-03-20. Review status: criteria provided, single submitter. Criteria: LabCorp Variant Classification Summary - May 2015. Collection method: clinical testing. Allele origin: germline.
Comment: Variant summary: CD40LG c.761C>T (p.Thr254Met) results in a non-conservative amino acid change located in the Tumour necrosis factor domain (IPR006052) of the encoded protein sequence. Five of five in-silico tools predict a damaging effect of the variant on protein function. The variant was absent in 181288 control chromosomes (gnomAD). c.761C>T has been reported in the literature in multiple individuals affected with Hyper IgM Syndrome, X-Linked (e.g. Seyama_1998, de Vries_1999, Danielian_2007, Aghamohammadi_2009). These data indicate that the variant is very likely to be associated with disease. Patients showed abolished CD40-Ig expression (Seyama_1998; Cabral-Marques_2014), further supporting pathogenicity. The following publications have been ascertained in the context of this evaluation (PMID: 10484640, 9746782, 17351759, 19575287, 24402618). ClinVar contains an entry for this variant (Variation ID: 35814). Based on the evidence outlined above, the variant was classified as pathogenic.

Institute of Human Genetics Munich, TUM University Hospital
Classification: Pathogenic for Hyper-IgM syndrome type 1. Last evaluated: 2021-09-28. Review status: criteria provided, single submitter. Criteria: Classification criteria August 2017. Collection method: clinical testing. Allele origin: germline. Inheritance: X-linked inheritance. Affected: yes. Observed: 1 variant allele.

GeneReviews
No classification provided. Condition: Hyper-IgM syndrome type 1. Review status: no classification provided. Collection method: literature only. Allele origin: germline. Not counted in ClinVar's aggregate classification.

Literature cited by the submitters: PubMed 10484640 (cited by Labcorp Genetics (formerly Invitae), Labcorp and Women's Health and Genetics/Laboratory Corporation of America, LabCorp); PubMed 17351759 (cited by Labcorp Genetics (formerly Invitae), Labcorp and Women's Health and Genetics/Laboratory Corporation of America, LabCorp); PubMed 19575287 (cited by Labcorp Genetics (formerly Invitae), Labcorp and Women's Health and Genetics/Laboratory Corporation of America, LabCorp); PubMed 25541662 (cited by Labcorp Genetics (formerly Invitae), Labcorp); PubMed 9746782 (cited by Women's Health and Genetics/Laboratory Corporation of America, LabCorp and GeneReviews); PubMed 24402618 (cited by Women's Health and Genetics/Laboratory Corporation of America, LabCorp); PubMed 15358621 (cited by GeneReviews); PubMed 20301576 (cited by GeneReviews).

NM_000074.3(CD40LG):c.761C>T (p.Thr254Met)

Gene: CD40LG (CD40 ligand; plus strand). Cytogenetic location: Xq26.3.
Variant type: single nucleotide variant.
Coding change: c.761C>T on transcript NM_000074.3 (MANE Select); coding-DNA position 761, C replaced by T.
Protein change: p.Thr254Met; replaces threonine 254 with methionine.
Molecular consequence: missense variant.
Genome position (GRCh38, 1-based): chrX:136,659,390, C>T. VCF-style: chrX-136659390-C-T. GRCh37 (hg19) VCF-style: chrX-135741549-C-T.
Other names: short protein forms T254M.
Identifiers: ClinVar variation 35814 (VCV000035814.21), dbSNP rs193922136, ClinGen allele CA260209.